The following is an entry in ClinVar:

NM_000038.6(APC):c.5782del (p.Gln1928fs)

Gene: APC (APC regulator of Wnt signaling pathway; plus strand). Cytogenetic location: 5q22.2.
Variant type: Deletion.
Coding change: c.5782del on transcript NM_000038.6 (MANE Select); coding-DNA position 5782, one base deleted (C; older notation c.5782delC).
Protein change: p.Gln1928fs; shifts the reading frame from glutamine 1928.
Molecular consequence: frameshift variant.
Genome position (GRCh38, 1-based): chr5:112,841,376, C deleted. VCF-style (leftmost placement, unchanged base first): chr5-112841375-TC-T. GRCh37 (hg19) VCF-style: chr5-112177072-TC-T.
Other names: c.5782del, p.Gln1928fs (NM_001127510.3, NM_001354895.2); c.5728del, p.Gln1910fs (NM_001127511.3); c.5836del, p.Gln1946fs (NM_001354896.2); c.5812del, p.Gln1938fs (NM_001354897.2); c.5707del, p.Gln1903fs (NM_001354898.2); c.5698del, p.Gln1900fs (NM_001354899.2); c.5659del, p.Gln1887fs (NM_001354900.2); c.5605del, p.Gln1869fs (NM_001354901.2); and 5 more; short protein forms Q1645fs, Q1768fs, Q1802fs, Q1827fs, Q1837fs, Q1869fs, Q1887fs, Q1900fs.
Identifiers: ClinVar variation 1049123 (VCV001049123.3), dbSNP rs2149949090, ClinGen allele CA658760802.

ClinVar aggregate classification (germline): Pathogenic. Review status: criteria provided, single submitter (1 of 4 stars). 2 submissions from 2 submitters: Pathogenic (1). 1 of the submissions does not count toward it. Last evaluated 2023-05-15.

Conditions:
Familial adenomatous polyposis 1 (FAP1). Also called: POLYPOSIS, ADENOMATOUS INTESTINAL; FAMILIAL ADENOMATOUS POLYPOSIS 1, ATTENUATED. Identifiers: MedGen C2713442, MONDO:0021056, OMIM 175100. Disease mechanism: loss of function.

Submissions (2):

Myriad Genetics, Inc.
Classification: Pathogenic for Familial adenomatous polyposis 1. Last evaluated: 2023-05-15. Review status: criteria provided, single submitter. Criteria: Myriad Autosomal Dominant, Autosomal Recessive and X-Linked Classification Criteria (2023). Collection method: clinical testing. Allele origin: unknown.
Comment: This variant is considered pathogenic. This variant creates a frameshift predicted to result in premature protein truncation.

Department of Pathology and Laboratory Medicine, Sinai Health System
Classification: Pathogenic for Familial adenomatous polyposis 1. Review status: no assertion criteria provided. Collection method: clinical testing. Allele origin: unknown. Affected: yes. Study: The Canadian Open Genetics Repository (COGR). Not counted in ClinVar's aggregate classification.
Comment: The APC p.Gln1928ArgfsX42 variant was not identified in the literature nor was it identified in the dbSNP, ClinVar, Clinvitae, Genesight-COGR, Cosmic, Zhejiang Colon Cancer Database, the 1000 Genomes Project, the NHLBI GO Exome Sequencing Project or the Exome Aggregation Consortium (August 8th 2016) control databases. The variant was identified in UMD-LSDB (as causal), and Insight Colon Cancer Gene Variant Database (1x). The p.Gln1928ArgfsX42 variant is predicted to cause a frameshift, which alters the protein's amino acid sequence beginning at codon 1928 and leads to a premature stop codon 42 codons downstream. This alteration is then predicted to result in a truncated or absent protein and loss of function. Loss of function variants of the APC gene are an established mechanism of disease in familial adenomatous polyposis and is the type of variant expected to cause the disorder. In summary, based on the above information this variant meets our laboratoryâ€šÃ„Ã´s criteria to be classified as pathogenic.